The following is an entry in ClinVar:

ClinVar aggregate classification (germline): Uncertain significance (1 of 4 stars; one submission).

Allele frequency attached by ClinVar (database versions not stated): gnomAD exomes 0.00001.
gnomAD v4.1: 3 of 1,613,184 alleles (0.00019%); highest among the groups gnomAD compares: Non-Finnish European, 0.00025%; no homozygotes.

Submission:

Labcorp Genetics (formerly Invitae), Labcorp
Classification: Uncertain significance. Last evaluated: 2023-04-17. Review status: criteria provided, single submitter. Criteria: Invitae Variant Classification Sherloc (09022015). Collection method: clinical testing. Allele origin: germline.
Comment: This variant is not present in population databases (gnomAD no frequency). This variant has not been reported in the literature in individuals affected with MYLK3-related conditions. An algorithm developed to predict the effect of missense changes on protein structure and function (PolyPhen-2) suggests that this variant is likely to be disruptive. In summary, the available evidence is currently insufficient to determine the role of this variant in disease. Therefore, it has been classified as a Variant of Uncertain Significance. This sequence change replaces asparagine, which is neutral and polar, with lysine, which is basic and polar, at codon 160 of the MYLK3 protein (p.Asn160Lys).

NM_182493.3(MYLK3):c.480T>A (p.Asn160Lys)

Gene: MYLK3 (myosin light chain kinase 3; minus strand). Cytogenetic location: 16q11.2.
Variant type: single nucleotide variant.
Coding change: c.480T>A on transcript NM_182493.3 (MANE Select); coding-DNA position 480, T replaced by A.
Protein change: p.Asn160Lys; replaces asparagine 160 with lysine.
Molecular consequence: missense variant. On other transcripts: 5 prime UTR variant (1).
Genome position (GRCh38, 1-based): chr16:46,740,145, A>T on the plus strand (T>A on the coding strand, the complement: MYLK3 is on the minus strand). VCF-style: chr16-46740145-A-T. GRCh37 (hg19) VCF-style: chr16-46774057-A-T.
Other names: c.-111T>A (NM_001308301.1); short protein forms N160K.
Identifiers: ClinVar variation 2805719 (VCV002805719.3), dbSNP rs2548908805, ClinGen allele CA395796118.